The following is an entry in ClinVar:

NM_018723.4(RBFOX1):c.245C>T (p.Ala82Val)

Gene: RBFOX1 (RNA binding fox-1 homolog 1; plus strand). Cytogenetic location: 16p13.3.
Variant type: single nucleotide variant.
Coding change: c.245C>T on transcript NM_018723.4 (MANE Select); coding-DNA position 245, C replaced by T.
Protein change: p.Ala82Val; replaces alanine 82 with valine.
Molecular consequence: missense variant.
Genome position (GRCh38, 1-based): chr16:7,518,364, C>T. VCF-style: chr16-7518364-C-T. GRCh37 (hg19) VCF-style: chr16-7568366-C-T.
Other names: c.245C>T, p.Ala82Val (NM_001142333.2, NM_001142334.2, NM_001364800.2); c.374C>T, p.Ala125Val (NM_001308117.1); c.305C>T, p.Ala102Val (NM_145891.3, NM_145892.3, NM_145893.3); short protein forms A102V, A125V, A82V.
Identifiers: ClinVar variation 1505127 (VCV001505127.8), dbSNP rs780839692, ClinGen allele CA277945212.
Genomic context (GRCh38, chr16:7,518,364, plus strand): 5'-CATTAAACCTGTACCCTCCCGCCCAGACGCACTCCGAGCAGAGCCCGGCGGACACGAGCG[C>T]TCAGACCGTCTCTGGCACCGCCACAGTAAGTGGACGTGTTTGCTACGGGTGGGAGGTTAT-3'
Protein context (NP_061193.2, residues 72-92): HSEQSPADTS[Ala82Val]QTVSGTATQT

ClinVar aggregate classification (germline): Uncertain significance (1 of 4 stars; one submission).

Conditions:
Idiopathic generalized epilepsy. Also called: EIG; Generalised epilepsy. Identifiers: MedGen C0270850, MONDO:0005579, OMIM 600669.

gnomAD v4.1: 46 of 1,611,602 alleles (0.0029%); highest among the groups gnomAD compares: Non-Finnish European, 0.0036%; no homozygotes.

Submission:

Labcorp Genetics (formerly Invitae), Labcorp
Classification: Uncertain significance for Idiopathic generalized epilepsy. Last evaluated: 2022-07-05. Review status: criteria provided, single submitter. Criteria: Invitae Variant Classification Sherloc (09022015). Collection method: clinical testing. Allele origin: germline.
Comment: This sequence change replaces alanine, which is neutral and non-polar, with valine, which is neutral and non-polar, at codon 102 of the RBFOX1 protein (p.Ala102Val). In summary, the available evidence is currently insufficient to determine the role of this variant in disease. Therefore, it has been classified as a Variant of Uncertain Significance. Algorithms developed to predict the effect of missense changes on protein structure and function are either unavailable or do not agree on the potential impact of this missense change (SIFT: "Tolerated"; PolyPhen-2: "Possibly Damaging"; Align-GVGD: "Class C0"). ClinVar contains an entry for this variant (Variation ID: 1505127). This variant has not been reported in the literature in individuals affected with RBFOX1-related conditions. The frequency data for this variant in the population databases is considered unreliable, as metrics indicate poor data quality at this position in the gnomAD database.